The following is an entry in ClinVar:

ClinVar aggregate classification (germline): Uncertain significance. Review status: criteria provided, multiple submitters, no conflicts (2 of 4 stars). 2 submissions from 2 submitters: Uncertain significance (2). Last evaluated 2026-08-23.

Conditions:
Inborn genetic diseases. Identifiers: MedGen C0950123, MeSH D030342.

Allele frequency attached by ClinVar (database versions not stated): gnomAD 0.00001.
gnomAD v4.1: 1 of 1,210,526 alleles (0.000083%); highest among the groups gnomAD compares: African/African-American, 0.0017%; no homozygotes.

Submissions (2):

Ambry Genetics
Classification: Uncertain significance for Inborn genetic diseases. Last evaluated: 2026-08-23. Review status: criteria provided, single submitter. Criteria: Ambry Variant Classification Scheme 2023. Collection method: clinical testing. Allele origin: germline.

GeneDx
Classification: Uncertain significance. Last evaluated: 2025-10-15. Review status: criteria provided, single submitter. Criteria: GeneDx Variant Classification Process June 2021. Collection method: clinical testing. Allele origin: germline. Affected: yes.
Comment: Not observed at significant frequency in large population cohorts (gnomAD); In silico analysis supports that this missense variant has a deleterious effect on protein structure/function; Has not been previously published as pathogenic or benign to our knowledge

NM_004187.5(KDM5C):c.2110G>A (p.Glu704Lys)

Gene: KDM5C (lysine demethylase 5C; minus strand). Cytogenetic location: Xp11.22.
Variant type: single nucleotide variant.
Coding change: c.2110G>A on transcript NM_004187.5 (MANE Select); coding-DNA position 2110, G replaced by A.
Protein change: p.Glu704Lys; replaces glutamic acid 704 with lysine.
Molecular consequence: missense variant. On other transcripts: non-coding transcript variant (3).
Genome position (GRCh38, 1-based): chrX:53,199,110, C>T on the plus strand (G>A on the coding strand, the complement: KDM5C is on the minus strand). VCF-style: chrX-53199110-C-T. GRCh37 (hg19) VCF-style: chrX-53228292-C-T.
Other names: c.1909G>A, p.Glu637Lys (NM_001146702.2); c.2107G>A, p.Glu703Lys (NM_001282622.3, NM_001353979.2, NM_001353982.2); c.2110G>A, p.Glu704Lys (NM_001353978.3, NM_001353981.2, NM_001353984.2); c.2110G>A (NM_004187.3); short protein forms E637K, E703K, E704K.
Identifiers: ClinVar variation 1343835 (VCV001343835.6), dbSNP rs2073061870, ClinGen allele CA413120542.